The following is an entry in ClinVar:

NM_001321103.2(SLC4A7):c.1227T>C (p.Ser409=)

Gene: SLC4A7 (solute carrier family 4 member 7; minus strand). Cytogenetic location: 3p24.1.
Variant type: single nucleotide variant.
Coding change: c.1227T>C on transcript NM_001321103.2 (MANE Select); coding-DNA position 1227, T replaced by C.
Protein change: p.Ser409=; no amino-acid change (serine 409 retained).
Molecular consequence: synonymous variant. On other transcripts: non-coding transcript variant (4).
Genome position (GRCh38, 1-based): chr3:27,424,076, A>G on the plus strand (T>C on the coding strand, the complement: SLC4A7 is on the minus strand). VCF-style: chr3-27424076-A-G. GRCh37 (hg19) VCF-style: chr3-27465567-A-G.
Other names: c.843T>C, p.Ser281= (NM_001258379.2, NM_001321107.2); c.828T>C, p.Ser276= (NM_001258380.2); c.1188T>C, p.Ser396= (NM_001321104.2, NM_001321105.2); c.1176T>C, p.Ser392= (NM_001321106.2); c.855T>C, p.Ser285= (NM_001321108.2); c.1200T>C, p.Ser400= (NM_003615.5).
Identifiers: ClinVar variation 3034044 (VCV003034044.2), dbSNP rs139934290, ClinGen allele CA2292013.

ClinVar aggregate classification (germline): Likely benign (0 of 4 stars; one submission).

Conditions:
SLC4A7-related disorder. Also called: SLC4A7-related condition.

Allele frequency attached by ClinVar (database versions not stated): gnomAD exomes below 0.00001; ExAC 0.00001; TOPMed 0.00003; gnomAD 0.00005; ESP Exome Variant Server 0.00015.
gnomAD v4.1: 13 of 1,610,996 alleles (0.00081%); highest among the groups gnomAD compares: African/African-American, 0.0013%; no homozygotes.

Submission:

PreventionGenetics, part of Exact Sciences
Classification: Likely benign for SLC4A7-related condition. Last evaluated: 2019-06-13. Review status: no assertion criteria provided. Collection method: clinical testing. Allele origin: germline.
Comment: This variant is classified as likely benign based on ACMG/AMP sequence variant interpretation guidelines (Richards et al. 2015 PMID: 25741868, with internal and published modifications).